The following is an entry in ClinVar:

NM_002067.5(GNA11):c.940G>A (p.Val314Met)

Gene: GNA11 (G protein subunit alpha 11; plus strand). Cytogenetic location: 19p13.3.
Variant type: single nucleotide variant.
Coding change: c.940G>A on transcript NM_002067.5 (MANE Select); coding-DNA position 940, G replaced by A.
Protein change: p.Val314Met; replaces valine 314 with methionine.
Molecular consequence: missense variant.
Genome position (GRCh38, 1-based): chr19:3,121,039, G>A. VCF-style: chr19-3121039-G-A. GRCh37 (hg19) VCF-style: chr19-3121037-G-A.
Other names: short protein forms V314M.
Identifiers: ClinVar variation 2779331 (VCV002779331.3), dbSNP rs772471502, ClinGen allele CA304332390.

ClinVar aggregate classification (germline): Uncertain significance (1 of 4 stars; one submission).

Allele frequency attached by ClinVar (database versions not stated): gnomAD 0.00001.

Submission:

Labcorp Genetics (formerly Invitae), Labcorp
Classification: Uncertain significance. Last evaluated: 2023-05-05. Review status: criteria provided, single submitter. Criteria: Invitae Variant Classification Sherloc (09022015). Collection method: clinical testing. Allele origin: germline.
Comment: This variant has not been reported in the literature in individuals affected with GNA11-related conditions. This sequence change replaces valine, which is neutral and non-polar, with methionine, which is neutral and non-polar, at codon 314 of the GNA11 protein (p.Val314Met). This variant is present in population databases (rs772471502, gnomAD 0.007%). Advanced modeling of protein sequence and biophysical properties (such as structural, functional, and spatial information, amino acid conservation, physicochemical variation, residue mobility, and thermodynamic stability) performed at Invitae indicates that this missense variant is not expected to disrupt GNA11 protein function. In summary, the available evidence is currently insufficient to determine the role of this variant in disease. Therefore, it has been classified as a Variant of Uncertain Significance.